The following is an entry in ClinVar:

NM_000257.4(MYH7):c.1191G>A (p.Lys397=)

Gene: MYH7 (myosin heavy chain 7; minus strand). Cytogenetic location: 14q11.2.
Variant type: single nucleotide variant.
Coding change: c.1191G>A on transcript NM_000257.4 (MANE Select); coding-DNA position 1191, G replaced by A.
Protein change: p.Lys397=; no amino-acid change (lysine 397 retained).
Molecular consequence: synonymous variant.
Genome position (GRCh38, 1-based): chr14:23,429,295, C>T on the plus strand (G>A on the coding strand, the complement: MYH7 is on the minus strand). VCF-style: chr14-23429295-C-T. GRCh37 (hg19) VCF-style: chr14-23898504-C-T.
Identifiers: ClinVar variation 42829 (VCV000042829.70), dbSNP rs139506719, ClinGen allele CA010337.

ClinVar aggregate classification (germline): Conflicting classifications of pathogenicity. Review status: criteria provided, conflicting classifications (1 of 4 stars). 13 submissions from 11 submitters: Uncertain significance (3); Benign (3); Likely benign (7). Last evaluated 2026-01-28.

Conditions:
Myosin storage myopathy (CMYO7A). Also called: MYOPATHY WITH LYSIS OF TYPE I MYOFIBRILS; MYOPATHY, HYALINE BODY, AUTOSOMAL DOMINANT; SCAPULOPERONEAL MUSCULAR DYSTROPHY; SCAPULOPERONEAL SYNDROME, MYOPATHIC TYPE; MYH7-related late-onset scapuloperoneal muscular dystrophy; Congenital myopathy 7A, myosin storage, autosomal dominant. Identifiers: Orphanet 437572, Orphanet 636965, MedGen C1842160, MONDO:0008409, OMIM 608358.
Cardiovascular phenotype. Identifiers: MedGen CN230736.
Cardiomyopathy (CMYO). Also called: Cardiomyopathies. Identifiers: Orphanet 167848, MedGen C0878544, MONDO:0004994, HP:0001638. Inheritance: Various modes of inheritance.
Hypertrophic cardiomyopathy 1 (CMH1). Also called: Familial hypertrophic cardiomyopathy 1; MYH7-Related Familial Hypertrophic Cardiomyopathy. Identifiers: MedGen C3495498, MONDO:0008647, OMIM 192600.
MYH7-related skeletal myopathy. Also called: Myopathy, distal, 1; Laing distal myopathy; MYOPATHY, DISTAL, EARLY-ONSET, AUTOSOMAL DOMINANT; MYOPATHY, LATE DISTAL HEREDITARY; Laing early-onset distal myopathy. Identifiers: Orphanet 59135, MedGen C4552004, MONDO:0008050, OMIM 160500.
Hypertrophic cardiomyopathy. Also called: HYPERTROPHIC MYOCARDIOPATHY. Identifiers: Orphanet 217569, MedGen C0007194, MeSH D002312, MONDO:0005045, HP:0001639.

Allele frequency attached by ClinVar (database versions not stated): gnomAD 0.00010; gnomAD exomes 0.00011 and 0.00021; ESP Exome Variant Server 0.00015; 1000 Genomes Project 30x 0.00016; TOPMed 0.00009; ExAC 0.00019; 1000 Genomes Project 0.00020.

Submissions (13):

Labcorp Genetics (formerly Invitae), Labcorp
Classification: Likely benign for Hypertrophic cardiomyopathy. Last evaluated: 2026-01-28. Review status: criteria provided, single submitter. Criteria: Invitae Variant Classification Sherloc (09022015). Collection method: clinical testing. Allele origin: germline.

CeGaT Center for Human Genetics Tuebingen
Classification: Likely benign. Last evaluated: 2025-12-01. Review status: criteria provided, single submitter. Criteria: CeGaT Center For Human Genetics Tuebingen Variant Classification Criteria Version 2. Collection method: clinical testing. Allele origin: germline. Affected: yes. Observed: 16 variant alleles.
Comment: MYH7: BP4, BS2

Blueprint Genetics
Classification: Benign. Last evaluated: 2024-10-08. Review status: criteria provided, single submitter. Criteria: ACMG Guidelines, 2015. Collection method: clinical testing. Allele origin: germline.

All of Us Research Program, National Institutes of Health
Classification: Likely benign for Cardiomyopathy. Last evaluated: 2024-01-11. Review status: criteria provided, single submitter. Criteria: ACMG Guidelines, 2015. Collection method: clinical testing. Allele origin: germline. Inheritance: Autosomal dominant inheritance. Observed: 42 variant alleles, 42 heterozygotes.
Comment: This study involves interpretation of variants in research participants for the purpose of population health screening. Participant phenotype was not available at the time of variant classification. Additional details can be found in publication PMID: 35346344, PMCID: PMC8962531

Color Diagnostics, LLC DBA Color Health
Classification: Likely benign for Cardiomyopathy. Last evaluated: 2018-10-16. Review status: criteria provided, single submitter. Criteria: ACMG Guidelines, 2015. Collection method: clinical testing. Allele origin: germline.

Illumina Laboratory Services, Illumina
Classification: Uncertain significance for Hypertrophic cardiomyopathy 1. Last evaluated: 2018-01-13. Review status: criteria provided, single submitter. Criteria: ICSL Variant Classification Criteria 13 December 2019. Collection method: clinical testing. Allele origin: germline.

Illumina Laboratory Services, Illumina
Classification: Uncertain significance for Myosin storage myopathy. Last evaluated: 2018-01-13. Review status: criteria provided, single submitter. Criteria: ICSL Variant Classification Criteria 13 December 2019. Collection method: clinical testing. Allele origin: germline.

Illumina Laboratory Services, Illumina
Classification: Likely benign for MYH7-related skeletal myopathy. Last evaluated: 2018-01-13. Review status: criteria provided, single submitter. Criteria: ICSL Variant Classification Criteria 13 December 2019. Collection method: clinical testing. Allele origin: germline.
Comment: This variant was observed in the ICSL laboratory as part of a predisposition screen in an ostensibly healthy population. It had not been previously curated by ICSL or reported in the Human Gene Mutation Database (HGMD: prior to June 1st, 2018), and was therefore a candidate for classification through an automated scoring system. Utilizing variant allele frequency, disease prevalence and penetrance estimates, and inheritance mode, an automated score was calculated to assess if this variant is too frequent to cause the disease. Based on the score and internal cut-off values, a variant classified as likely benign is not then subjected to further curation. The score for this variant resulted in a classification of likely benign for this disease.

Ambry Genetics
Classification: Likely benign for Cardiovascular phenotype. Last evaluated: 2017-02-08. Review status: criteria provided, single submitter. Criteria: Ambry Variant Classification Scheme 2023. Collection method: clinical testing. Allele origin: germline.

Agnes Ginges Centre for Molecular Cardiology, Centenary Institute
Classification: Benign for Hypertrophic cardiomyopathy 1. Last evaluated: 2016-11-18. Review status: criteria provided, single submitter. Criteria: Agnes Ginges Centre for Molecular Cardiology criteria (2015). Collection method: research. Allele origin: germline. Inheritance: Autosomal dominant inheritance. Affected: yes.
Comment: However, a known pathogenic variant in a different gene was identified and shown to segregate with disease. Furthermore this variant has been identified >20 times in the Exome Aggregation Consortium dataset (MAF=0.00019). Therefore, we classify this variant as "benign".

Eurofins Ntd Llc (ga)
Classification: Uncertain significance. Last evaluated: 2015-12-16. Review status: criteria provided, single submitter. Criteria: EGL Classification Definitions 2015. Collection method: clinical testing. Allele origin: germline. Observed: 1 variant allele, 1 heterozygote.

GeneDx
Classification: Benign. Last evaluated: 2015-03-14. Review status: criteria provided, single submitter. Criteria: GeneDx Variant Classification (06012015). Collection method: clinical testing. Allele origin: germline. Affected: yes.
Comment: This variant is considered likely benign or benign based on one or more of the following criteria: it is a conservative change, it occurs at a poorly conserved position in the protein, it is predicted to be benign by multiple in silico algorithms, and/or has population frequency not consistent with disease.

Laboratory for Molecular Medicine, Mass General Brigham Personalized Medicine
Classification: Likely benign. Last evaluated: 2010-07-30. Review status: criteria provided, single submitter. Criteria: LMM Criteria. Collection method: clinical testing. Allele origin: germline. Observed: 1 variant allele.